The following is an entry in ClinVar:

NM_005257.6(GATA6):c.1628C>G (p.Ala543Gly)

Gene: GATA6 (GATA binding protein 6; plus strand). Cytogenetic location: 18q11.2.
Variant type: single nucleotide variant.
Coding change: c.1628C>G on transcript NM_005257.6 (MANE Select); coding-DNA position 1628, C replaced by G.
Protein change: p.Ala543Gly; replaces alanine 543 with glycine.
Molecular consequence: missense variant.
Genome position (GRCh38, 1-based): chr18:22,200,663, C>G. VCF-style: chr18-22200663-C-G. GRCh37 (hg19) VCF-style: chr18-19780626-C-G.
Other names: c.1628C>G (NM_005257.4); short protein forms A543G.
Identifiers: ClinVar variation 661255 (VCV000661255.7), dbSNP rs761668180, ClinGen allele CA8909055.

ClinVar aggregate classification (germline): Uncertain significance. Review status: criteria provided, multiple submitters, no conflicts (2 of 4 stars). 2 submissions from 2 submitters: Uncertain significance (2). Last evaluated 2024-07-28.

Conditions:
Atrioventricular septal defect 5 (AVSD5). Identifiers: MedGen C3280939, MONDO:0013769, OMIM 614474.

Allele frequency attached by ClinVar (database versions not stated): ExAC 0.00001; gnomAD 0.00004 and 0.00003; gnomAD exomes 0.00002 and 0.00003; TOPMed 0.00003.
gnomAD v4.1: 52 of 1,614,136 alleles (0.0032%); highest among the groups gnomAD compares: Non-Finnish European, 0.0041%; no homozygotes.

Submissions (2):

GeneDx
Classification: Uncertain significance. Last evaluated: 2024-07-28. Review status: criteria provided, single submitter. Criteria: GeneDx Variant Classification Process June 2021. Collection method: clinical testing. Allele origin: germline. Affected: yes.
Comment: Identified in a patient with early-onset atrial fibrillation (AF) in published literature (PMID: 27756709); A published functional study suggests that the p.(A543G) variant has no altered function (PMID: 27756709); In silico analysis indicates that this missense variant does not alter protein structure/function; This variant is associated with the following publications: (PMID: 27756709)

Labcorp Genetics (formerly Invitae), Labcorp
Classification: Uncertain significance for Atrioventricular septal defect 5. Last evaluated: 2024-03-19. Review status: criteria provided, single submitter. Criteria: Invitae Variant Classification Sherloc (09022015). Collection method: clinical testing. Allele origin: germline.
Comment: This sequence change replaces alanine, which is neutral and non-polar, with glycine, which is neutral and non-polar, at codon 543 of the GATA6 protein (p.Ala543Gly). This variant is present in population databases (rs761668180, gnomAD 0.005%). This missense change has been observed in individual(s) with atrial fibrillation (PMID: 27756709). ClinVar contains an entry for this variant (Variation ID: 661255). Advanced modeling of protein sequence and biophysical properties (such as structural, functional, and spatial information, amino acid conservation, physicochemical variation, residue mobility, and thermodynamic stability) performed at Invitae indicates that this missense variant is not expected to disrupt GATA6 protein function with a negative predictive value of 80%. Experimental studies have shown that this missense change does not substantially affect GATA6 function (PMID: 27756709). In summary, the available evidence is currently insufficient to determine the role of this variant in disease. Therefore, it has been classified as a Variant of Uncertain Significance.

Literature cited by the submitters: PubMed 27756709 (cited by Labcorp Genetics (formerly Invitae), Labcorp).